The following is an entry in ClinVar:

ClinVar aggregate classification (germline): Likely benign (0 of 4 stars; one submission).

Conditions:
BRCA1-related disorder. Also called: BRCA1-related condition.

gnomAD v4.1: 10 of 478,442 alleles (0.0021%); highest among the groups gnomAD compares: Admixed American, 0.017%; no homozygotes.

Submission:

PreventionGenetics, part of Exact Sciences
Classification: Likely benign for BRCA1-related condition. Last evaluated: 2024-05-21. Review status: no assertion criteria provided. Collection method: clinical testing. Allele origin: germline.
Comment: This variant is classified as likely benign based on ACMG/AMP sequence variant interpretation guidelines (Richards et al. 2015 PMID: 25741868, with internal and published modifications).

NM_007294.4(BRCA1):c.*792G>A

Gene: BRCA1 (BRCA1 DNA repair associated; minus strand). Cytogenetic location: 17q21.31.
Variant type: single nucleotide variant.
Coding change: c.*792G>A on transcript NM_007294.4 (MANE Select); 792 bases downstream of the stop codon, G replaced by A.
Molecular consequence: 3 prime UTR variant.
Genome position (GRCh38, 1-based): chr17:43,044,886, C>T on the plus strand (G>A on the coding strand, the complement: BRCA1 is on the minus strand). VCF-style: chr17-43044886-C-T. GRCh37 (hg19) VCF-style: chr17-41196903-C-T.
Other names: c.*792G>A (NM_001407571.1, NM_001407581.1, NM_001407582.1 and 347 more transcripts); c.*898G>A (NM_001407854.1, NM_001407858.1, NM_001407859.1 and 14 more transcripts).
Identifiers: ClinVar variation 3358041 (VCV003358041.1).